The following is an entry in ClinVar:

ClinVar aggregate classification (germline): Uncertain significance. Review status: criteria provided, multiple submitters, no conflicts (2 of 4 stars). 2 submissions from 2 submitters: Uncertain significance (2). Last evaluated 2025-04-29.

gnomAD v4.1: 6 of 1,614,060 alleles (0.00037%); highest among the groups gnomAD compares: Non-Finnish European, 0.00034%; no homozygotes.

Submissions (2):

Ambry Genetics
Classification: Uncertain significance. Last evaluated: 2025-04-29. Review status: criteria provided, single submitter. Criteria: Ambry Variant Classification Scheme 2023. Collection method: clinical testing. Allele origin: germline.

GeneDx
Classification: Uncertain significance. Last evaluated: 2022-06-10. Review status: criteria provided, single submitter. Criteria: GeneDx Variant Classification Process June 2021. Collection method: clinical testing. Allele origin: germline.
Comment: Has not been previously published as pathogenic or benign to our knowledge; Not observed at significant frequency in large population cohorts (gnomAD); In silico analysis supports that this missense variant does not alter protein structure/function; Variants in candidate genes are classified as variants of uncertain significance in accordance with ACMG guidelines (Richards et al., 2015)

NM_002332.3(LRP1):c.1616G>A (p.Arg539Gln)

Gene: LRP1 (LDL receptor related protein 1; plus strand). Cytogenetic location: 12q13.3.
Variant type: single nucleotide variant.
Coding change: c.1616G>A on transcript NM_002332.3 (MANE Select); coding-DNA position 1616, G replaced by A.
Protein change: p.Arg539Gln; replaces arginine 539 with glutamine.
Molecular consequence: missense variant.
Genome position (GRCh38, 1-based): chr12:57,158,456, G>A. VCF-style: chr12-57158456-G-A. GRCh37 (hg19) VCF-style: chr12-57552239-G-A.
Other names: short protein forms R539Q.
Identifiers: ClinVar variation 4048581 (VCV004048581.2).
Genomic context (GRCh38, chr12:57,158,456, plus strand): 5'-CTCTAGAGCCGGAGCATGAGCTGTTCCTCGTGTATGGCAAGGGCCGGCCAGGCATCATCC[G>A]GGGCATGGATATGGGGGCCAAGGTCCCGGATGAGCACATGATCCCCATTGAAAACCTCAT-3'
Protein context (NP_002323.2, residues 529-549): VYGKGRPGII[Arg539Gln]GMDMGAKVPD